The following is an entry in ClinVar:

NM_001287.6(CLCN7):c.143C>T (p.Ser48Leu)

Gene: CLCN7 (chloride voltage-gated channel 7; minus strand). Cytogenetic location: 16p13.3.
Variant type: single nucleotide variant.
Coding change: c.143C>T on transcript NM_001287.6 (MANE Select); coding-DNA position 143, C replaced by T.
Protein change: p.Ser48Leu; replaces serine 48 with leucine.
Molecular consequence: missense variant. On other transcripts: intron variant (1).
Genome position (GRCh38, 1-based): chr16:1,465,337, G>A on the plus strand (C>T on the coding strand, the complement: CLCN7 is on the minus strand). VCF-style: chr16-1465337-G-A. GRCh37 (hg19) VCF-style: chr16-1515338-G-A.
Other names: c.142-3663C>T (NM_001114331.3); short protein forms S48L.
Identifiers: ClinVar variation 3692169 (VCV003692169.2).

ClinVar aggregate classification (germline): Uncertain significance (1 of 4 stars; one submission).

gnomAD v4.1: 3 of 1,613,132 alleles (0.00019%); highest among the groups gnomAD compares: Non-Finnish European, 0.00025%; no homozygotes.

Submission:

Labcorp Genetics (formerly Invitae), Labcorp
Classification: Uncertain significance. Last evaluated: 2024-07-22. Review status: criteria provided, single submitter. Criteria: Invitae Variant Classification Sherloc (09022015). Collection method: clinical testing. Allele origin: germline.
Comment: This sequence change replaces serine, which is neutral and polar, with leucine, which is neutral and non-polar, at codon 48 of the CLCN7 protein (p.Ser48Leu). This variant is present in population databases (rs759148631, gnomAD 0.002%). This variant has not been reported in the literature in individuals affected with CLCN7-related conditions. An algorithm developed to predict the effect of missense changes on protein structure and function outputs the following: PolyPhen-2: "Benign". The leucine amino acid residue is found in multiple mammalian species, which suggests that this missense change does not adversely affect protein function. In summary, the available evidence is currently insufficient to determine the role of this variant in disease. Therefore, it has been classified as a Variant of Uncertain Significance.